The following is an entry in ClinVar:

ClinVar aggregate classification (germline): Conflicting classifications of pathogenicity. Review status: criteria provided, conflicting classifications (1 of 4 stars). 3 submissions from 3 submitters: Pathogenic (1); Uncertain significance (2). Last evaluated 2022-10-22.

Conditions:
Aicardi-Goutieres syndrome 7 (AGS7). Identifiers: Orphanet 51, MedGen C3888244, MONDO:0014367, OMIM 615846.

gnomAD v4.1: 17 of 1,605,636 alleles (0.0011%); highest among the groups gnomAD compares: Non-Finnish European, 0.0014%; no homozygotes.

Submissions (3):

GeneDx
Classification: Uncertain significance. Last evaluated: 2022-10-22. Review status: criteria provided, single submitter. Criteria: GeneDx Variant Classification Process June 2021. Collection method: clinical testing. Allele origin: germline. Affected: yes.
Comment: Has not been previously published as pathogenic or benign to our knowledge; Nonsense variant predicted to result in protein truncation or nonsense mediated decay in a gene or region of a gene for which loss of function is not a well-established mechanism of disease; Not observed at significant frequency in large population cohorts (gnomAD)

Revvity Omics, Revvity
Classification: Uncertain significance. Last evaluated: 2022-01-23. Review status: criteria provided, single submitter. Criteria: ACMG Guidelines, 2015. Collection method: clinical testing. Allele origin: germline.

Genomic Research Center, Shahid Beheshti University of Medical Sciences
Classification: Pathogenic for Aicardi-Goutieres syndrome 7. Last evaluated: 2018-08-07. Review status: criteria provided, single submitter. Criteria: ACMG Guidelines, 2015. Collection method: clinical testing. Allele origin: unknown. Affected: yes. Observed: 1 variant allele.

NM_022168.4(IFIH1):c.1738C>T (p.Gln580Ter)

Gene: IFIH1 (interferon induced with helicase C domain 1; minus strand). Cytogenetic location: 2q24.2.
Variant type: single nucleotide variant.
Coding change: c.1738C>T on transcript NM_022168.4 (MANE Select); coding-DNA position 1738, C replaced by T.
Protein change: p.Gln580Ter; replaces glutamine 580 with a stop codon.
Molecular consequence: nonsense.
Genome position (GRCh38, 1-based): chr2:162,278,232, G>A on the plus strand (C>T on the coding strand, the complement: IFIH1 is on the minus strand). VCF-style: chr2-162278232-G-A. GRCh37 (hg19) VCF-style: chr2-163134742-G-A.
Other names: c.1738C>T, p.Gln580Ter (LRG_1235t1); short protein forms Q580*.
Identifiers: ClinVar variation 587512 (VCV000587512.8), dbSNP rs774888783, ClinGen allele CA349000100.